The following is an entry in ClinVar:

NM_000038.6(APC):c.316C>T (p.Arg106Cys)

Gene: APC (APC regulator of Wnt signaling pathway; plus strand). Cytogenetic location: 5q22.2.
Variant type: single nucleotide variant.
Coding change: c.316C>T on transcript NM_000038.6 (MANE Select); coding-DNA position 316, C replaced by T.
Protein change: p.Arg106Cys; replaces arginine 106 with cysteine.
Molecular consequence: missense variant. On other transcripts: 5 prime UTR variant (1).
Genome position (GRCh38, 1-based): chr5:112,767,284, C>T. VCF-style: chr5-112767284-C-T. GRCh37 (hg19) VCF-style: chr5-112102981-C-T.
Other names: c.316C>T, p.Arg106Cys (NM_001127510.3, NM_001354895.2, NM_001354896.2 and 2 more transcripts); c.346C>T, p.Arg116Cys (NM_001127511.3, NM_001354897.2, NM_001354902.2); c.241C>T, p.Arg81Cys (NM_001354898.2, NM_001354904.2); c.139C>T, p.Arg47Cys (NM_001354900.2, NM_001354901.2, NM_001354905.2); c.-720C>T (NM_001354906.2); short protein forms R106C, R116C, R81C, R47C.
Identifiers: ClinVar variation 469911 (VCV000469911.22), dbSNP rs1554069763, ClinGen allele CA16022015.

ClinVar aggregate classification (germline): Uncertain significance. Review status: criteria provided, multiple submitters, no conflicts (2 of 4 stars). 4 submissions from 4 submitters: Uncertain significance (4). Last evaluated 2025-10-02.

Conditions:
Familial adenomatous polyposis 1 (FAP1). Also called: POLYPOSIS, ADENOMATOUS INTESTINAL; FAMILIAL ADENOMATOUS POLYPOSIS 1, ATTENUATED. Identifiers: MedGen C2713442, MONDO:0021056, OMIM 175100. Disease mechanism: loss of function.
Classic or attenuated familial adenomatous polyposis. Identifiers: MedGen CN372698, MONDO:0021057.
Hereditary cancer-predisposing syndrome. Also called: Hereditary neoplastic syndrome; Neoplastic Syndromes, Hereditary; Tumor predisposition; Hereditary Cancer Syndrome. Identifiers: Orphanet 140162, MedGen C0027672, MeSH D009386, MONDO:0015356.

Allele frequency attached by ClinVar (database versions not stated): gnomAD exomes below 0.00001; gnomAD 0.00001.

Submissions (4):

Ambry Genetics
Classification: Uncertain significance for Hereditary cancer-predisposing syndrome. Last evaluated: 2025-10-02. Review status: criteria provided, single submitter. Criteria: Ambry Variant Classification Scheme 2023. Collection method: clinical testing. Allele origin: germline.
Comment: The p.R106C variant (also known as c.316C>T), located in coding exon 3 of the APC gene, results from a C to T substitution at nucleotide position 316. The arginine at codon 106 is replaced by cysteine, an amino acid with highly dissimilar properties. This amino acid position is highly conserved in available vertebrate species. In addition, in silico predictors for this gene do not accurately predict pathogenicity. Since supporting evidence is limited at this time, the clinical significance of this alteration remains unclear.

Labcorp Genetics (formerly Invitae), Labcorp
Classification: Uncertain significance for Familial adenomatous polyposis 1. Last evaluated: 2025-07-11. Review status: criteria provided, single submitter. Criteria: Invitae Variant Classification Sherloc (09022015). Collection method: clinical testing. Allele origin: germline.
Comment: This sequence change replaces arginine, which is basic and polar, with cysteine, which is neutral and slightly polar, at codon 106 of the APC protein (p.Arg106Cys). This variant is not present in population databases (gnomAD no frequency). This variant has not been reported in the literature in individuals affected with APC-related conditions. ClinVar contains an entry for this variant (Variation ID: 469911). Invitae Evidence Modeling of protein sequence and biophysical properties (such as structural, functional, and spatial information, amino acid conservation, physicochemical variation, residue mobility, and thermodynamic stability) indicates that this missense variant is not expected to disrupt APC protein function with a negative predictive value of 95%. In summary, the available evidence is currently insufficient to determine the role of this variant in disease. Therefore, it has been classified as a Variant of Uncertain Significance.

All of Us Research Program, National Institutes of Health
Classification: Uncertain significance for Classic or attenuated familial adenomatous polyposis. Last evaluated: 2024-05-14. Review status: criteria provided, single submitter. Criteria: ACMG Guidelines, 2015. Collection method: clinical testing. Allele origin: germline. Inheritance: Autosomal dominant inheritance. Observed: 4 variant alleles, 4 heterozygotes.
Comment: This missense variant replaces arginine with cysteine at codon 106 of the APC protein. Computational prediction is inconclusive regarding the impact of this variant on protein structure and function (internally defined REVEL score threshold 0.5 < inconclusive < 0.7, PMID: 27666373). To our knowledge, functional studies have not been reported for this variant. This variant has not been reported in individuals affected with APC-related disorders in the literature. This variant has not been identified in the general population by the Genome Aggregation Database (gnomAD). The available evidence is insufficient to determine the role of this variant in disease conclusively. Therefore, this variant is classified as a Variant of Uncertain Significance.

This study involves interpretation of variants in research participants for the purpose of population health screening. Participant phenotype was not available at the time of variant classification. Additional details can be found in publication PMID: 35346344, PMCID: PMC8962531

Color Diagnostics, LLC DBA Color Health
Classification: Uncertain significance for Hereditary cancer-predisposing syndrome. Last evaluated: 2024-03-06. Review status: criteria provided, single submitter. Criteria: ACMG Guidelines, 2015. Collection method: clinical testing. Allele origin: germline.
Comment: This missense variant replaces arginine with cysteine at codon 106 of the APC protein. Computational prediction is inconclusive regarding the impact of this variant on protein structure and function (internally defined REVEL score threshold 0.5 < inconclusive < 0.7, PMID: 27666373). To our knowledge, functional studies have not been reported for this variant. This variant has not been reported in individuals affected with APC-related disorders in the literature. This variant has not been identified in the general population by the Genome Aggregation Database (gnomAD). The available evidence is insufficient to determine the role of this variant in disease conclusively. Therefore, this variant is classified as a Variant of Uncertain Significance.